The following is an entry in ClinVar:

NM_001098.3(ACO2):c.2314_*10del (p.Leu772fs)

Genes: ACO2 (aconitase 2; plus strand), POLR3H (RNA polymerase III subunit H; minus strand). Cytogenetic location: 22q13.2.
Variant type: Deletion.
Coding change: c.2314_*10del on transcript NM_001098.3 (MANE Select); coding-DNA position 2314 through 10 bases downstream of the stop codon, 40 bases deleted.
Protein change: p.Leu772fs; shifts the reading frame from leucine 772.
Molecular consequence: frameshift variant. On other transcripts: 3 prime UTR variant (5).
Genome position (GRCh38, 1-based): chr22:41,528,584-41,528,623, 40 bases deleted; deleting any 40 consecutive bases within chr22:41,528,575-41,528,623 gives the same sequence; the c. name uses the placement nearest the transcript's 3' end. GRCh37 (hg19): chr22:41,924,588-41,924,627.
Other names: c.*669_*708del (NM_001018050.4, NM_001018052.4, NM_001282884.2 and 2 more transcripts); short protein forms L772fs.
Identifiers: ClinVar variation 2008942 (VCV002008942.4), dbSNP rs2518246669, ClinGen allele CA2580099877.
Genomic context (GRCh38, chr22:41,528,574, plus strand): 5'-CCAGGAGACCATCCTCCTGAACCACACCTTCAACGAGACGCAGATTGAGTGGTTCCGCGC[TGGCAGTGCCCTCAACAGAATGAAGGAACTGCAACAGTGAG>T]GGCAGTGCCTCCCCGCCCCGCCGCTGGCGTCAAGTTCAGCTCCACGTGTGCCATCAGTGG-3'

ClinVar aggregate classification (germline): Uncertain significance (1 of 4 stars; one submission).

Submission:

Labcorp Genetics (formerly Invitae), Labcorp
Classification: Uncertain significance. Last evaluated: 2022-06-22. Review status: criteria provided, single submitter. Criteria: Invitae Variant Classification Sherloc (09022015). Collection method: clinical testing. Allele origin: germline.
Comment: This sequence change disrupts the translational stop signal of the ACO2 mRNA. It is expected to extend the length of the ACO2 protein by 31 additional amino acid residues. This variant is not present in population databases (gnomAD no frequency). This variant has not been reported in the literature in individuals affected with ACO2-related conditions. In summary, the available evidence is currently insufficient to determine the role of this variant in disease. Therefore, it has been classified as a Variant of Uncertain Significance.